The following is an entry in ClinVar:

NM_001429.4(EP300):c.3899C>T (p.Thr1300Ile)

Gene: EP300 (EP300 lysine acetyltransferase; plus strand). Cytogenetic location: 22q13.2.
Variant type: single nucleotide variant.
Coding change: c.3899C>T on transcript NM_001429.4 (MANE Select); coding-DNA position 3899, C replaced by T.
Protein change: p.Thr1300Ile; replaces threonine 1300 with isoleucine.
Molecular consequence: missense variant.
Genome position (GRCh38, 1-based): chr22:41,168,473, C>T. VCF-style: chr22-41168473-C-T. GRCh37 (hg19) VCF-style: chr22-41564477-C-T.
Other names: c.3821C>T, p.Thr1274Ile (NM_001362843.2); short protein forms T1274I, T1300I.
Identifiers: ClinVar variation 2446705 (VCV002446705.2), dbSNP rs2517820529, ClinGen allele CA411699176.

ClinVar aggregate classification (germline): Uncertain significance. Review status: criteria provided, multiple submitters, no conflicts (2 of 4 stars). 2 submissions from 2 submitters: Uncertain significance (2). Last evaluated 2025-08-11.

Conditions:
Rubinstein-Taybi syndrome due to EP300 haploinsufficiency. Also called: EP300-Related Rubinstein-Taybi Syndrome; RUBINSTEIN-TAYBI SYNDROME 2. Identifiers: Orphanet 353284, Orphanet 783, MedGen C3150941, MONDO:0013364, OMIM 613684.

gnomAD v4.1: 2 of 1,614,202 alleles (0.00012%); highest among the groups gnomAD compares: African/African-American, 0.0013%; no homozygotes.

Submissions (2):

Labcorp Genetics (formerly Invitae), Labcorp
Classification: Uncertain significance for Rubinstein-Taybi syndrome due to EP300 haploinsufficiency. Last evaluated: 2025-08-11. Review status: criteria provided, single submitter. Criteria: Invitae Variant Classification Sherloc (09022015). Collection method: clinical testing. Allele origin: germline.
Comment: This sequence change replaces threonine, which is neutral and polar, with isoleucine, which is neutral and non-polar, at codon 1300 of the EP300 protein (p.Thr1300Ile). This variant is not present in population databases (gnomAD no frequency). This variant has not been reported in the literature in individuals affected with EP300-related conditions. ClinVar contains an entry for this variant (Variation ID: 2446705). Invitae Evidence Modeling of protein sequence and biophysical properties (such as structural, functional, and spatial information, amino acid conservation, physicochemical variation, residue mobility, and thermodynamic stability) indicates that this missense variant is not expected to disrupt EP300 protein function with a negative predictive value of 80%. In summary, the available evidence is currently insufficient to determine the role of this variant in disease. Therefore, it has been classified as a Variant of Uncertain Significance.

GeneDx
Classification: Uncertain significance. Last evaluated: 2022-09-29. Review status: criteria provided, single submitter. Criteria: GeneDx Variant Classification Process June 2021. Collection method: clinical testing. Allele origin: germline. Affected: yes.
Comment: Not observed at significant frequency in large population cohorts (gnomAD); In silico analysis supports that this missense variant has a deleterious effect on protein structure/function; Has not been previously published as pathogenic or benign to our knowledge